The following is an entry in ClinVar:

NM_000250.2(MPO):c.1775G>A (p.Arg592Lys)

Genes: MPO (myeloperoxidase; minus strand), LOC106694316 (enhancer region in introns 7-9 of MPO; plus strand). Cytogenetic location: 17q22.
Variant type: single nucleotide variant.
Coding change: c.1775G>A on transcript NM_000250.2 (MANE Select); coding-DNA position 1775, G replaced by A.
Protein change: p.Arg592Lys; replaces arginine 592 with lysine.
Molecular consequence: missense variant.
Genome position (GRCh38, 1-based): chr17:58,272,765, C>T on the plus strand (G>A on the coding strand, the complement: MPO is on the minus strand). VCF-style: chr17-58272765-C-T. GRCh37 (hg19) VCF-style: chr17-56350126-C-T.
Other names: short protein forms R592K.
Identifiers: ClinVar variation 4076700 (VCV004076700.1).

ClinVar aggregate classification (germline): Uncertain significance (1 of 4 stars; one submission).

Submission:

GeneDx
Classification: Uncertain significance. Last evaluated: 2025-02-19. Review status: criteria provided, single submitter. Criteria: GeneDx Variant Classification Process June 2021. Collection method: clinical testing. Allele origin: germline. Affected: yes.
Comment: Not observed at significant frequency in large population cohorts (gnomAD); In silico analysis supports that this missense variant has a deleterious effect on protein structure/function; Has not been previously published as pathogenic or benign to our knowledge